The following is an entry in ClinVar:

ClinVar aggregate classification (germline): Conflicting classifications of pathogenicity. Review status: criteria provided, conflicting classifications (1 of 4 stars). 2 submissions from 2 submitters: Uncertain significance (1); Likely benign (1). Last evaluated 2025-01-16.

Allele frequency attached by ClinVar (database versions not stated): ExAC 0.00012; TOPMed 0.00012; gnomAD 0.00013 and 0.00014; ESP Exome Variant Server 0.00015; gnomAD exomes 0.00015 and 0.00016.
gnomAD v4.1: 253 of 1,611,358 alleles (0.016%); highest among the groups gnomAD compares: Middle Eastern, 0.12%; no homozygotes.

Submissions (2):

Labcorp Genetics (formerly Invitae), Labcorp
Classification: Uncertain significance. Last evaluated: 2025-01-16. Review status: criteria provided, single submitter. Criteria: Invitae Variant Classification Sherloc (09022015). Collection method: clinical testing. Allele origin: germline.
Comment: This sequence change falls in intron 16 of the OTOA gene. It does not directly change the encoded amino acid sequence of the OTOA protein. It affects a nucleotide within the consensus splice site. This variant is present in population databases (rs201545393, gnomAD 0.03%). This variant has not been reported in the literature in individuals affected with OTOA-related conditions. ClinVar contains an entry for this variant (Variation ID: 512695). Variants that disrupt the consensus splice site are a relatively common cause of aberrant splicing (PMID: 17576681, 9536098). Algorithms developed to predict the effect of sequence changes on RNA splicing suggest that this variant is not likely to affect RNA splicing. In summary, the available evidence is currently insufficient to determine the role of this variant in disease. Therefore, it has been classified as a Variant of Uncertain Significance.

GeneDx
Classification: Likely benign. Last evaluated: 2017-10-12. Review status: criteria provided, single submitter. Criteria: GeneDx Variant Classification (06012015). Collection method: clinical testing. Allele origin: germline. Affected: yes.
Comment: This variant is considered likely benign or benign based on one or more of the following criteria: it is a conservative change, it occurs at a poorly conserved position in the protein, it is predicted to be benign by multiple in silico algorithms, and/or has population frequency not consistent with disease.

Literature cited by the submitters: PubMed 17576681 (cited by Labcorp Genetics (formerly Invitae), Labcorp); PubMed 9536098 (cited by Labcorp Genetics (formerly Invitae), Labcorp).

NM_144672.4(OTOA):c.1806+4C>A

Gene: OTOA (otoancorin). Cytogenetic location: 16p12.2.
Variant type: single nucleotide variant.
Coding change: c.1806+4C>A on transcript NM_144672.4 (MANE Select); 4 bases into the intron after coding-DNA position 1806, C replaced by A.
Molecular consequence: intron variant.
Genome position (GRCh38, 1-based): chr16:21,719,508, C>A. VCF-style: chr16-21719508-C-A. GRCh37 (hg19) VCF-style: chr16-21730829-C-A.
Other names: c.1569+4C>A (NM_001161683.2); c.834+4C>A (NM_170664.3).
Identifiers: ClinVar variation 512695 (VCV000512695.4), dbSNP rs201545393, ClinGen allele CA7952767.